The following is an entry in ClinVar:

ClinVar aggregate classification (germline): Pathogenic. Review status: criteria provided, single submitter (1 of 4 stars). 2 submissions from 2 submitters: Pathogenic (1). 1 of the submissions does not count toward it. Last evaluated 2021-09-04.

Conditions:
Wilms tumor 6 (WT6). Also called: WILMS TUMOR 6, SUSCEPTIBILITY TO. Identifiers: Orphanet 654, MedGen C3891301, MONDO:0014779, OMIM 616806.

Allele frequency attached by ClinVar (database versions not stated): gnomAD exomes below 0.00001; gnomAD 0.00001.

Submissions (2):

Labcorp Genetics (formerly Invitae), Labcorp
Classification: Pathogenic. Last evaluated: 2021-09-04. Review status: criteria provided, single submitter. Criteria: Invitae Variant Classification Sherloc (09022015). Collection method: clinical testing. Allele origin: germline.
Comment: This sequence change creates a premature translational stop signal (p.Cys278Trpfs*18) in the REST gene. It is expected to result in an absent or disrupted protein product. Loss-of-function variants in REST are known to be pathogenic (PMID: 26551668). This variant is not present in population databases (ExAC no frequency). This premature translational stop signal has been observed in individual(s) with Wilms tumor (PMID: 26551668). ClinVar contains an entry for this variant (Variation ID: 222002). For these reasons, this variant has been classified as Pathogenic.

OMIM
Classification: risk factor for WILMS TUMOR 6, SUSCEPTIBILITY TO. Last evaluated: 2020-06-23. Review status: no assertion criteria provided. Collection method: literature only. Allele origin: germline. Not counted in ClinVar's aggregate classification.

Literature cited by the submitters: PubMed 26551668 (cited by Labcorp Genetics (formerly Invitae), Labcorp and OMIM).

NM_005612.5(REST):c.831_832del (p.Cys278fs)

Gene: REST (RE1 silencing transcription factor; plus strand). Cytogenetic location: 4q12.
Variant type: Deletion.
Coding change: c.831_832del on transcript NM_005612.5 (MANE Select); coding-DNA positions 831 to 832, 2 bases deleted (AT; older notation c.831_832delAT).
Protein change: p.Cys278fs; shifts the reading frame from cysteine 278.
Molecular consequence: frameshift variant.
Genome position (GRCh38, 1-based): chr4:56,911,469-56,911,470, AT deleted. VCF-style (leftmost placement, unchanged base first): chr4-56911468-CAT-C. GRCh37 (hg19) VCF-style: chr4-57777634-CAT-C.
Other names: c.831_832delAT, p.Cys278Trpfs (NM_001193508.2, NM_001363453.3); short protein forms C278fs.
Identifiers: ClinVar variation 222002 (VCV000222002.10), dbSNP rs869025310, ClinGen allele CA351626.